The following is an entry in ClinVar:

NM_001353345.2(SETD1B):c.4051_4052del (p.Pro1351fs)

Gene: SETD1B (SET domain containing 1B, histone lysine methyltransferase; plus strand). Cytogenetic location: 12q24.31.
Variant type: Deletion.
Coding change: c.4051_4052del on transcript NM_001353345.2 (MANE Select); coding-DNA positions 4051 to 4052, 2 bases deleted (CC; older notation c.4051_4052delCC).
Protein change: p.Pro1351fs; shifts the reading frame from proline 1351.
Molecular consequence: frameshift variant.
Genome position (GRCh38, 1-based): chr12:121,822,630-121,822,631, CC deleted; deleting any 2 consecutive bases within chr12:121,822,629-121,822,631 gives the same sequence; the c. name uses the placement nearest the transcript's 3' end. VCF-style (leftmost placement, unchanged base first): chr12-121822628-TCC-T. GRCh37 (hg19) VCF-style: chr12-122260534-TCC-T.
Other names: short protein forms P1351fs.
Identifiers: ClinVar variation 3382774 (VCV003382774.2).
Genomic context (GRCh38, chr12:121,822,628, plus strand): 5'-CACCCCGGCCACCCAGCCCACCGCCGGAGCCTGAGACCACAGATGCCTCACACCCATCTG[TCC>T]CTCCGGAGCCCCTTGCCGAGGACCACCCCCCGCATACTCCAGGCCTCTGTGGCAGCCTGG-3'

ClinVar aggregate classification (germline): Likely pathogenic (1 of 4 stars; one submission).

Conditions:
Intellectual developmental disorder with seizures and language delay (IDDSELD). Identifiers: MedGen C5436574, MONDO:0033559, OMIM 619000.

Submission:

Juno Genomics, Hangzhou Juno Genomics, Inc
Classification: Likely pathogenic for Intellectual developmental disorder with seizures and language delay. Review status: criteria provided, single submitter. Criteria: ACMG Guidelines, 2015. Collection method: clinical testing. Allele origin: germline. Affected: yes.
Comment: Absent from controls (or at extremely low frequency if recessive) in Genome Aggregation Database, Exome Sequencing Project, 1000 Genomes Project, or Exome Aggregation Consortium.;De novo (both maternity and paternity confirmed) in a patient with the disease and no family history.;Null variant in a gene where loss of function (LOF) is a known mechanism of disease.